The following is an entry in ClinVar:

ClinVar aggregate classification (germline): Uncertain significance. Review status: criteria provided, multiple submitters, no conflicts (2 of 4 stars). 2 submissions from 2 submitters: Uncertain significance (2). Last evaluated 2025-03-31.

Conditions:
Inborn genetic diseases. Identifiers: MedGen C0950123, MeSH D030342.

Allele frequency attached by ClinVar (database versions not stated): TOPMed below 0.00001; gnomAD exomes 0.00001; gnomAD 0.00001; ExAC 0.00005.

Submissions (2):

Labcorp Genetics (formerly Invitae), Labcorp
Classification: Uncertain significance. Last evaluated: 2025-03-31. Review status: criteria provided, single submitter. Criteria: Invitae Variant Classification Sherloc (09022015). Collection method: clinical testing. Allele origin: germline.
Comment: This sequence change replaces methionine, which is neutral and non-polar, with valine, which is neutral and non-polar, at codon 14 of the APOPT1 protein (p.Met14Val). The frequency data for this variant in the population databases is considered unreliable, as metrics indicate poor data quality at this position in the gnomAD database. This variant has not been reported in the literature in individuals affected with APOPT1-related conditions. ClinVar contains an entry for this variant (Variation ID: 2958721). An algorithm developed to predict the effect of missense changes on protein structure and function (PolyPhen-2) suggests that this variant is likely to be tolerated. In summary, the available evidence is currently insufficient to determine the role of this variant in disease. Therefore, it has been classified as a Variant of Uncertain Significance.

Ambry Genetics
Classification: Uncertain significance for Inborn genetic diseases. Last evaluated: 2024-01-08. Review status: criteria provided, single submitter. Criteria: Ambry Variant Classification Scheme 2023. Collection method: clinical testing. Allele origin: germline.

NM_001370595.2(COA8):c.1A>G (p.Met1Val)

Gene: COA8 (cytochrome c oxidase assembly factor 8; plus strand). Cytogenetic location: 14q32.33.
Variant type: single nucleotide variant.
Coding change: c.1A>G on transcript NM_001370595.2 (MANE Select); coding-DNA position 1, A replaced by G.
Protein change: p.Met1Val; changes the start codon (methionine 1).
Molecular consequence: missense variant, initiator codon variant. On other transcripts: non-coding transcript variant (2).
Genome position (GRCh38, 1-based): chr14:103,563,002, A>G. VCF-style: chr14-103563002-A-G. GRCh37 (hg19) VCF-style: chr14-104029339-A-G.
Other names: c.40A>G (NM_032374.3); c.1A>G, p.Met1Val (NM_001302653.2, NM_001302654.2); short protein forms M1V.
Identifiers: ClinVar variation 2958721 (VCV002958721.4), dbSNP rs747521660, ClinGen allele CA7365375.
Genomic context (GRCh38, chr14:103,563,002, plus strand): 5'-GCGGCCCCTCGCGCCGTCGCAATGCTGCCGTGCGCCGCGGGAGCCAGGGGGCGTGGGGCC[A>G]TGGTGGTCTTGCGGGCGGGGAAGAAGACCTTTCTCCCCCCTCTCTGCCGCGCCTTCGCCT-3'
Protein context (NP_001357524.1, residues 1-11): [Met1Val]VVLRAGKKTF